The following is an entry in ClinVar:

ClinVar aggregate classification (germline): Uncertain significance. Review status: criteria provided, multiple submitters, no conflicts (2 of 4 stars). 2 submissions from 2 submitters: Uncertain significance (2). Last evaluated 2024-06-20.

Conditions:
Oculotrichoanal syndrome (MOTA). Also called: Manitoba Oculotrichoanal (MOTA) Syndrome; MARLES SYNDROME. Identifiers: Orphanet 2717, MedGen C1855425, MONDO:0009560, OMIM 248450.

Submissions (2):

Labcorp Genetics (formerly Invitae), Labcorp
Classification: Uncertain significance. Last evaluated: 2024-06-20. Review status: criteria provided, single submitter. Criteria: Invitae Variant Classification Sherloc (09022015). Collection method: clinical testing. Allele origin: germline.
Comment: This sequence change replaces isoleucine, which is neutral and non-polar, with threonine, which is neutral and polar, at codon 1497 of the FREM1 protein (p.Ile1497Thr). This variant is not present in population databases (gnomAD no frequency). This variant has not been reported in the literature in individuals affected with FREM1-related conditions. ClinVar contains an entry for this variant (Variation ID: 2444408). Advanced modeling of protein sequence and biophysical properties (such as structural, functional, and spatial information, amino acid conservation, physicochemical variation, residue mobility, and thermodynamic stability) performed at Invitae indicates that this missense variant is expected to disrupt FREM1 protein function with a positive predictive value of 80%. In summary, the available evidence is currently insufficient to determine the role of this variant in disease. Therefore, it has been classified as a Variant of Uncertain Significance.

3billion
Classification: Uncertain significance for Oculotrichoanal syndrome. Last evaluated: 2023-02-23. Review status: criteria provided, single submitter. Criteria: ACMG Guidelines, 2015. Collection method: clinical testing. Allele origin: unknown. Affected: yes.
Comment: The variant is not observed in the gnomAD v2.1.1 dataset. Protein truncation variants are a common disease-causing mechanism. In silico tool predictions suggest damaging effect of the variant on gene or gene product (REVEL: 0.62). Therefore, this variant is classified as VUS according to the recommendation of ACMG/AMP guideline.

NM_001379081.2(FREM1):c.4490T>C (p.Ile1497Thr)

Gene: FREM1 (FRAS1 related extracellular matrix 1; minus strand). Cytogenetic location: 9p22.3.
Variant type: single nucleotide variant.
Coding change: c.4490T>C on transcript NM_001379081.2 (MANE Select); coding-DNA position 4490, T replaced by C.
Protein change: p.Ile1497Thr; replaces isoleucine 1497 with threonine.
Molecular consequence: missense variant. On other transcripts: non-coding transcript variant (2).
Genome position (GRCh38, 1-based): chr9:14,776,156, A>G on the plus strand (T>C on the coding strand, the complement: FREM1 is on the minus strand). VCF-style: chr9-14776156-A-G. GRCh37 (hg19) VCF-style: chr9-14776154-A-G.
Other names: c.98T>C, p.Ile33Thr (NM_001177704.3, NM_001370058.2, NM_001370061.2); c.4490T>C, p.Ile1497Thr (NM_144966.7); short protein forms I1497T, I33T.
Identifiers: ClinVar variation 2444408 (VCV002444408.3), dbSNP rs2539910048, ClinGen allele CA372965199.
Genomic context (GRCh38, chr9:14,776,156, plus strand): 5'-AGTCTCAACCCCTTGTTCCTGGTTACCACAGGCAGGGCTCTGTCCACAGTCTCCAGTGTG[A>G]TCTCAAACACCCCGTGCTCGGTCCGCAGTCCATTGCTGATGATGAATCTGGTAAAGAGAG-3'
Protein context (NP_001366010.1, residues 1487-1507): GLRTEHGVFE[Ile1497Thr]TLETVDRALP